The following is an entry in ClinVar:

NM_002187.3(IL12B):c.862dup (p.Arg288fs)

Gene: IL12B (interleukin 12B; minus strand). Cytogenetic location: 5q33.3.
Variant type: Duplication.
Coding change: c.862dup on transcript NM_002187.3 (MANE Select); coding-DNA position 862, one base duplicated (A; older notation c.862dupA).
Protein change: p.Arg288fs; shifts the reading frame from arginine 288.
Molecular consequence: frameshift variant.
Genome position (GRCh38, 1-based): chr5:159,316,810, T duplicated on the plus strand (A on the coding strand, the reverse complement: IL12B is on the minus strand). VCF-style (leftmost placement, unchanged base first): chr5-159316809-C-CT. GRCh37 (hg19) VCF-style: chr5-158743817-C-CT.
Other names: short protein forms R288fs.
Identifiers: ClinVar variation 3663107 (VCV003663107.2).

ClinVar aggregate classification (germline): Pathogenic (1 of 4 stars; one submission).

Conditions:
Mendelian susceptibility to mycobacterial diseases due to complete IL12B deficiency. Also called: IL12B DEFICIENCY; Immunodeficiency 29. Identifiers: Orphanet 319558, MedGen C4013948, MONDO:0013954, OMIM 614890.

Submission:

Labcorp Genetics (formerly Invitae), Labcorp
Classification: Pathogenic for Mendelian susceptibility to mycobacterial diseases due to complete IL12B deficiency. Last evaluated: 2025-01-23. Review status: criteria provided, single submitter. Criteria: Invitae Variant Classification Sherloc (09022015). Collection method: clinical testing. Allele origin: germline.
Comment: This sequence change creates a premature translational stop signal (p.Arg288Lysfs*20) in the IL12B gene. It is expected to result in an absent or disrupted protein product. Loss-of-function variants in IL12B are known to be pathogenic (PMID: 11753820, 23429356). This variant is not present in population databases (gnomAD no frequency). This variant has not been reported in the literature in individuals affected with IL12B-related conditions. For these reasons, this variant has been classified as Pathogenic.

Literature cited by the submitters: PubMed 11753820; PubMed 23429356.